The following is an entry in ClinVar:

ClinVar aggregate classification (germline): Benign/Likely benign. Review status: criteria provided, multiple submitters, no conflicts (2 of 4 stars). 3 submissions from 3 submitters: Benign (1); Likely benign (2). Last evaluated 2025-05-06.

Conditions:
Hereditary cancer-predisposing syndrome. Also called: Hereditary Cancer Syndrome; Hereditary neoplastic syndrome; Neoplastic Syndromes, Hereditary; Tumor predisposition. Identifiers: Orphanet 140162, MedGen C0027672, MeSH D009386, MONDO:0015356.
Familial adenomatous polyposis 1 (FAP1). Also called: FAMILIAL ADENOMATOUS POLYPOSIS 1, ATTENUATED; POLYPOSIS, ADENOMATOUS INTESTINAL. Identifiers: MedGen C2713442, MONDO:0021056, OMIM 175100. Disease mechanism: loss of function.

Submissions (3):

Ambry Genetics
Classification: Likely benign for Hereditary cancer-predisposing syndrome. Last evaluated: 2025-05-06. Review status: criteria provided, single submitter. Criteria: Ambry Variant Classification Scheme 2023. Collection method: clinical testing. Allele origin: germline.

Myriad Genetics, Inc.
Classification: Benign for Familial adenomatous polyposis 1. Last evaluated: 2024-02-26. Review status: criteria provided, single submitter. Criteria: Myriad Autosomal Dominant, Autosomal Recessive and X-Linked Classification Criteria (2023). Collection method: clinical testing. Allele origin: unknown.
Comment: This variant is considered benign. This variant is a silent/synonymous amino acid change and it is not expected to impact splicing.

Labcorp Genetics (formerly Invitae), Labcorp
Classification: Likely benign for Familial adenomatous polyposis 1. Last evaluated: 2022-10-28. Review status: criteria provided, single submitter. Criteria: Invitae Variant Classification Sherloc (09022015). Collection method: clinical testing. Allele origin: germline.

NM_000038.6(APC):c.714A>G (p.Gln238=)

Gene: APC (APC regulator of Wnt signaling pathway; plus strand). Cytogenetic location: 5q22.2.
Variant type: single nucleotide variant.
Coding change: c.714A>G on transcript NM_000038.6 (MANE Select); coding-DNA position 714, A replaced by G.
Protein change: p.Gln238=; no amino-acid change (glutamine 238 retained).
Molecular consequence: synonymous variant. On other transcripts: 5 prime UTR variant (1), intron variant (2).
Genome position (GRCh38, 1-based): chr5:112,792,514, A>G. VCF-style: chr5-112792514-A-G. GRCh37 (hg19) VCF-style: chr5-112128211-A-G.
Other names: c.714A>G, p.Gln238= (NM_001127510.3, NM_001354895.2, NM_001354896.2 and 1 more transcripts); c.744A>G, p.Gln248= (NM_001354897.2, NM_001354902.2); c.639A>G, p.Gln213= (NM_001354898.2, NM_001354904.2); c.537A>G, p.Gln179= (NM_001354900.2, NM_001354901.2, NM_001354905.2); c.-322A>G (NM_001354906.2); c.676-8765A>G (NM_001127511.3); c.646-8765A>G (NM_001354899.2).
Identifiers: ClinVar variation 757042 (VCV000757042.9), dbSNP rs1580424332, ClinGen allele CA445755585.